The following is an entry in ClinVar:

ClinVar aggregate classification (germline): Uncertain significance. Review status: criteria provided, multiple submitters, no conflicts (2 of 4 stars). 8 submissions from 8 submitters: Uncertain significance (7). 1 of the submissions does not count toward it. Last evaluated 2023-11-15.

Conditions:
Hereditary cancer-predisposing syndrome. Also called: Hereditary Cancer Syndrome; Neoplastic Syndromes, Hereditary; Tumor predisposition; Hereditary neoplastic syndrome. Identifiers: Orphanet 140162, MedGen C0027672, MeSH D009386, MONDO:0015356.
Aplastic anemia. Identifiers: Orphanet 182040, Orphanet 88, MedGen C0002874, MONDO:0015909, OMIM 609135, HP:0001915.
Microcephaly, normal intelligence and immunodeficiency (NBS). Also called: BERLIN BREAKAGE SYNDROME; Ataxia telangiectasia variant V1; IMMUNODEFICIENCY, MICROCEPHALY, AND CHROMOSOMAL INSTABILITY; SEEMANOVA SYNDROME II; Nijmegen breakage syndrome; Microcephaly with normal intelligence immunodeficiency and lymphoreticular malignancies. Identifiers: Orphanet 647, MedGen C0398791, MONDO:0009623, OMIM 251260.

Allele frequency attached by ClinVar (database versions not stated): TOPMed below 0.00001; gnomAD 0.00001; gnomAD exomes 0.00001.
gnomAD v4.1: 11 of 1,613,416 alleles (0.00068%); highest among the groups gnomAD compares: South Asian, 0.0033%; no homozygotes.

Submissions (8):

Ambry Genetics
Classification: Uncertain significance for Hereditary cancer-predisposing syndrome. Last evaluated: 2023-11-15. Review status: criteria provided, single submitter. Criteria: Ambry Variant Classification Scheme 2023. Collection method: clinical testing. Allele origin: germline.
Comment: The p.N588S variant (also known as c.1763A>G), located in coding exon 11 of the NBN gene, results from an A to G substitution at nucleotide position 1763. The asparagine at codon 588 is replaced by serine, an amino acid with highly similar properties. This amino acid position is not well conserved in available vertebrate species. In addition, this alteration is predicted to be tolerated by in silico analysis. Since supporting evidence is limited at this time, the clinical significance of this alteration remains unclear.

Baylor Genetics
Classification: Uncertain significance for Aplastic anemia. Last evaluated: 2023-10-15. Review status: criteria provided, single submitter. Criteria: ACMG Guidelines, 2015. Collection method: clinical testing. Allele origin: unknown.

Labcorp Genetics (formerly Invitae), Labcorp
Classification: Uncertain significance for Microcephaly, normal intelligence and immunodeficiency. Last evaluated: 2022-10-20. Review status: criteria provided, single submitter. Criteria: Invitae Variant Classification Sherloc (09022015). Collection method: clinical testing. Allele origin: germline.
Comment: This sequence change replaces asparagine, which is neutral and polar, with serine, which is neutral and polar, at codon 588 of the NBN protein (p.Asn588Ser). This variant is present in population databases (no rsID available, gnomAD 0.06%). This variant has not been reported in the literature in individuals affected with NBN-related conditions. ClinVar contains an entry for this variant (Variation ID: 230644). Algorithms developed to predict the effect of missense changes on protein structure and function output the following: SIFT: "Tolerated"; PolyPhen-2: "Benign"; Align-GVGD: "Class C0". The serine amino acid residue is found in multiple mammalian species, which suggests that this missense change does not adversely affect protein function. In summary, the available evidence is currently insufficient to determine the role of this variant in disease. Therefore, it has been classified as a Variant of Uncertain Significance.

Genome-Nilou Lab
Classification: Uncertain significance for Microcephaly, normal intelligence and immunodeficiency. Last evaluated: 2021-11-07. Review status: criteria provided, single submitter. Criteria: ACMG Guidelines, 2015. Collection method: clinical testing. Allele origin: germline. Affected: no.

Women's Health and Genetics/Laboratory Corporation of America, LabCorp
Classification: Uncertain significance. Last evaluated: 2020-10-05. Review status: criteria provided, single submitter. Criteria: LabCorp Variant Classification Summary - May 2015. Collection method: clinical testing. Allele origin: germline.
Comment: Variant summary: NBN c.1763A>G (p.Asn588Ser) results in a conservative amino acid change in the encoded protein sequence. Five of five in-silico tools predict a benign effect of the variant on protein function. The variant was absent in 251054 control chromosomes. The available data on variant occurrences in the general population are insufficient to allow any conclusion about variant significance. To our knowledge, no occurrence of c.1763A>G in individuals affected with Nijmegen Breakage Syndrome and no experimental evidence demonstrating its impact on protein function have been reported. Three clinical diagnostic laboratories have submitted clinical-significance assessments for this variant to ClinVar after 2014 without evidence for independent evaluation. All laboratories classified the variant as uncertain significance. Based on the evidence outlined above, the variant was classified as uncertain significance.

Quest Diagnostics Nichols Institute San Juan Capistrano
Classification: Uncertain significance. Last evaluated: 2020-09-17. Review status: criteria provided, single submitter. Criteria: Quest Diagnostics criteria. Collection method: clinical testing. Allele origin: unknown.

GeneDx
Classification: Uncertain significance. Last evaluated: 2019-04-15. Review status: criteria provided, single submitter. Criteria: GeneDx Variant Classification Process June 2021. Collection method: clinical testing. Allele origin: germline. Affected: yes.
Comment: Has not been previously published as pathogenic or benign to our knowledge

Natera, Inc.
Classification: Uncertain significance for Nijmegen breakage syndrome. Last evaluated: 2020-07-03. Review status: no assertion criteria provided. Collection method: clinical testing. Allele origin: germline. Not counted in ClinVar's aggregate classification.

NM_002485.5(NBN):c.1763A>G (p.Asn588Ser)

Gene: NBN (nibrin; minus strand). Cytogenetic location: 8q21.3.
Variant type: single nucleotide variant.
Coding change: c.1763A>G on transcript NM_002485.5 (MANE Select); coding-DNA position 1763, A replaced by G.
Protein change: p.Asn588Ser; replaces asparagine 588 with serine.
Molecular consequence: missense variant.
Genome position (GRCh38, 1-based): chr8:89,953,326, T>C on the plus strand (A>G on the coding strand, the complement: NBN is on the minus strand). VCF-style: chr8-89953326-T-C. GRCh37 (hg19) VCF-style: chr8-90965554-T-C.
Other names: c.1517A>G, p.Asn506Ser (NM_001024688.3); short protein forms N588S, N506S.
Identifiers: ClinVar variation 230644 (VCV000230644.24), dbSNP rs876658681, ClinGen allele CA10578753.